The following is an entry in ClinVar:

ClinVar aggregate classification (germline): Likely benign. Review status: criteria provided, multiple submitters, no conflicts (2 of 4 stars). 4 submissions from 4 submitters: Likely benign (3). 1 of the submissions does not count toward it. Last evaluated 2025-08-01.

Conditions:
Hereditary cancer-predisposing syndrome. Also called: Hereditary neoplastic syndrome; Neoplastic Syndromes, Hereditary; Tumor predisposition; Hereditary Cancer Syndrome. Identifiers: Orphanet 140162, MedGen C0027672, MeSH D009386, MONDO:0015356.
Bloom syndrome (BLM). Also called: Bloom-Torre-Machacek syndrome. Identifiers: Orphanet 125, MedGen C0005859, MONDO:0008876, OMIM 210900.

Allele frequency attached by ClinVar (database versions not stated): gnomAD exomes below 0.00001.
gnomAD v4.1: 2 of 1,614,178 alleles (0.00012%); highest among the groups gnomAD compares: Non-Finnish European, 0.00017%; no homozygotes.

Submissions (4):

CeGaT Center for Human Genetics Tuebingen
Classification: Likely benign. Last evaluated: 2025-08-01. Review status: criteria provided, single submitter. Criteria: CeGaT Center For Human Genetics Tuebingen Variant Classification Criteria Version 2. Collection method: clinical testing. Allele origin: germline. Affected: yes. Observed: 1 variant allele.
Comment: BLM: BP4, BP7

Labcorp Genetics (formerly Invitae), Labcorp
Classification: Likely benign for Bloom syndrome. Last evaluated: 2023-02-23. Review status: criteria provided, single submitter. Criteria: Invitae Variant Classification Sherloc (09022015). Collection method: clinical testing. Allele origin: germline.

Ambry Genetics
Classification: Likely benign for Hereditary cancer-predisposing syndrome. Last evaluated: 2020-10-26. Review status: criteria provided, single submitter. Criteria: Ambry Variant Classification Scheme 2023. Collection method: clinical testing. Allele origin: germline.

Natera, Inc.
Classification: Uncertain significance for Bloom syndrome. Last evaluated: 2025-03-18. Review status: no assertion criteria provided. Collection method: clinical testing. Allele origin: germline. Not counted in ClinVar's aggregate classification.

NM_000057.4(BLM):c.2889T>C (p.His963=)

Gene: BLM (BLM RecQ like helicase; plus strand). Cytogenetic location: 15q26.1.
Variant type: single nucleotide variant.
Coding change: c.2889T>C on transcript NM_000057.4 (MANE Select); coding-DNA position 2889, T replaced by C.
Protein change: p.His963=; no amino-acid change (histidine 963 retained).
Molecular consequence: synonymous variant.
Genome position (GRCh38, 1-based): chr15:90,790,714, T>C. VCF-style: chr15-90790714-T-C. GRCh37 (hg19) VCF-style: chr15-91333944-T-C.
Other names: c.2889T>C, p.His963= (NM_001287246.2, NM_001287247.2); c.1764T>C, p.His588= (NM_001287248.2); c.2889T>C (NM_000057.3).
Identifiers: ClinVar variation 1797258 (VCV001797258.14), dbSNP rs2505516319, ClinGen allele CA492163988.
Genomic context (GRCh38, chr15:90,790,714, plus strand): 5'-CTGTGCTACAATTGCATTTGGAATGGGGATTGACAAACCGGACGTGCGATTTGTGATTCA[T>C]GCATCTCTCCCTAAATCTGTGGAGGGTTACTACCAAGAATCTGGCAGAGCTGGAAGAGAT-3'
Protein context (NP_000048.1, residues 953-973): IDKPDVRFVI[His963=]ASLPKSVEGY